The following is an entry in ClinVar:

NM_018706.7(DHTKD1):c.1987_1988delinsAG (p.Ala663Arg)

Gene: DHTKD1 (dehydrogenase E1 and transketolase domain containing 1; plus strand). Cytogenetic location: 10p14.
Variant type: Indel.
Coding change: c.1987_1988delinsAG on transcript NM_018706.7 (MANE Select); coding-DNA positions 1987 to 1988, GC replaced by AG.
Protein change: p.Ala663Arg; replaces alanine 663 with arginine.
Molecular consequence: missense variant.
Genome position (GRCh38, 1-based): chr10:12,106,336-12,106,337, GC replaced by AG. VCF-style: chr10-12106336-GC-AG. GRCh37 (hg19) VCF-style: chr10-12148335-GC-AG.
Other names: short protein forms A663R.
Identifiers: ClinVar variation 2787700 (VCV002787700.3), dbSNP rs2491503832, ClinGen allele CA2739265284.

ClinVar aggregate classification (germline): Uncertain significance (1 of 4 stars; one submission).

Conditions:
2-aminoadipic 2-oxoadipic aciduria (AAKAD). Also called: Aminoadipic aciduria; ALPHA-AMINOADIPIC AND ALPHA-KETOADIPIC ACIDURIA. Identifiers: Orphanet 79154, MedGen C1859817, MONDO:0008774, OMIM 204750.

Submission:

Labcorp Genetics (formerly Invitae), Labcorp
Classification: Uncertain significance for 2-aminoadipic 2-oxoadipic aciduria. Last evaluated: 2022-12-29. Review status: criteria provided, single submitter. Criteria: Invitae Variant Classification Sherloc (09022015). Collection method: clinical testing. Allele origin: germline.
Comment: This variant has not been reported in the literature in individuals affected with DHTKD1-related conditions. This sequence change replaces alanine, which is neutral and non-polar, with arginine, which is basic and polar, at codon 663 of the DHTKD1 protein (p.Ala663Arg). The frequency data for this variant in the population databases is considered unreliable, as metrics indicate poor data quality at this position in the gnomAD database. Algorithms developed to predict the effect of missense changes on protein structure and function are either unavailable or do not agree on the potential impact of this missense change (SIFT: "Not Available"; PolyPhen-2: "Probably Damaging"; Align-GVGD: "Not Available"). In summary, the available evidence is currently insufficient to determine the role of this variant in disease. Therefore, it has been classified as a Variant of Uncertain Significance.